The following is an entry in ClinVar:

NM_001367624.2(ZNF469):c.1986G>C (p.Gln662His)

Gene: ZNF469 (zinc finger protein 469; plus strand). Cytogenetic location: 16q24.2.
Variant type: single nucleotide variant.
Coding change: c.1986G>C on transcript NM_001367624.2 (MANE Select); coding-DNA position 1986, G replaced by C.
Protein change: p.Gln662His; replaces glutamine 662 with histidine.
Molecular consequence: missense variant.
Genome position (GRCh38, 1-based): chr16:88,429,456, G>C. VCF-style: chr16-88429456-G-C. GRCh37 (hg19) VCF-style: chr16-88495864-G-C.
Other names: NM_001127464.1:c.1986G>C; short protein forms Q662H.
Identifiers: ClinVar variation 2501374 (VCV002501374.1), dbSNP rs771912038, ClinGen allele CA8224732.
Genomic context (GRCh38, chr16:88,429,456, plus strand): 5'-GGAGACGGGCAGCCCCTTCCCGTCCCCGGAGCCCCCCCACTCCCTCCCCACCCACTACCA[G>C]CCAGAGCCAGCCAAGGCCTTCCCTTTTCCCGCAGATGGGCTGGGAGCCGAGGGTGCCTTC-3'
Protein context (NP_001354553.1, residues 652-672): EPPHSLPTHY[Gln662His]PEPAKAFPFP

ClinVar aggregate classification (germline): Uncertain significance (1 of 4 stars; one submission).

Allele frequency attached by ClinVar (database versions not stated): ExAC 0.00007.

Submission:

GeneDx
Classification: Uncertain significance. Last evaluated: 2022-11-04. Review status: criteria provided, single submitter. Criteria: GeneDx Variant Classification Process June 2021. Collection method: clinical testing. Allele origin: germline. Affected: yes.
Comment: Not observed at significant frequency in large population cohorts (gnomAD); In silico analysis supports that this missense variant does not alter protein structure/function; Has not been previously published as pathogenic or benign to our knowledge